The following is an entry in ClinVar:

ClinVar aggregate classification (germline): Pathogenic. Review status: criteria provided, single submitter (1 of 4 stars). 2 submissions from 2 submitters: Pathogenic (1). 1 of the submissions does not count toward it. Last evaluated 2023-06-05.

Conditions:
Genitourinary and/or brain malformation syndrome (GUBS). Also called: PPP1R12A-Related Urogenital and/or Brain Malformation Syndrome. Identifiers: MedGen C5394158, MONDO:0032934, OMIM 618820.
PPP1R12A-related disorder. Also called: PPP1R12A-related condition.

Allele frequency attached by ClinVar (database versions not stated): gnomAD exomes below 0.00001.

Submissions (2):

PreventionGenetics, part of Exact Sciences
Classification: Pathogenic for PPP1R12A-related condition. Last evaluated: 2023-06-05. Review status: criteria provided, single submitter. Criteria: ACMG Guidelines, 2015. Collection method: clinical testing. Allele origin: germline.
Comment: The PPP1R12A c.2533C>T variant is predicted to result in premature protein termination (p.Arg845*). To our knowledge, this variant has not been reported in the literature or in a large population database, indicating this variant is rare. Nonsense variants in PPP1R12A are expected to be pathogenic. This variant is interpreted as pathogenic.

Neonatology Lab, Anhui Women and Child Health Care Hospital
Classification: Pathogenic for Genitourinary and/or brain malformation syndrome. Review status: no assertion criteria provided. Collection method: clinical testing. Allele origin: germline. Inheritance: Autosomal dominant inheritance. Affected: yes. Not counted in ClinVar's aggregate classification.

Literature cited by the submitters: PubMed 31883643 (cited by Neonatology Lab, Anhui Women and Child Health Care Hospital).

NM_002480.3(PPP1R12A):c.2533C>T (p.Arg845Ter)

Gene: PPP1R12A (protein phosphatase 1 regulatory subunit 12A; minus strand). Cytogenetic location: 12q21.2.
Variant type: single nucleotide variant.
Coding change: c.2533C>T on transcript NM_002480.3 (MANE Select); coding-DNA position 2533, C replaced by T.
Protein change: p.Arg845Ter; replaces arginine 845 with a stop codon.
Molecular consequence: nonsense.
Genome position (GRCh38, 1-based): chr12:79,795,688, G>A on the plus strand (C>T on the coding strand, the complement: PPP1R12A is on the minus strand). VCF-style: chr12-79795688-G-A. GRCh37 (hg19) VCF-style: chr12-80189468-G-A.
Other names: c.2533C>T, p.Arg845Ter (NM_001143885.2, NM_001244990.2); c.2272C>T, p.Arg758Ter (NM_001143886.2); c.2365C>T, p.Arg789Ter (NM_001244992.1); short protein forms R758*, R789*, R845*.
Identifiers: ClinVar variation 2632919 (VCV002632919.3), dbSNP rs2547893717, ClinGen allele CA385842319.